The following is an entry in ClinVar:

ClinVar aggregate classification (germline): Uncertain significance. Review status: criteria provided, multiple submitters, no conflicts (2 of 4 stars). 2 submissions from 2 submitters: Uncertain significance (2). Last evaluated 2025-05-14.

gnomAD v4.1: 14 of 1,113,778 alleles (0.0013%); highest among the groups gnomAD compares: African/African-American, 0.024%; no homozygotes.

Submissions (2):

Women's Health and Genetics/Laboratory Corporation of America, LabCorp
Classification: Uncertain significance. Last evaluated: 2025-05-14. Review status: criteria provided, single submitter. Criteria: LabCorp Variant Classification Summary - May 2015. Collection method: clinical testing. Allele origin: germline.
Comment: Variant summary: SRPX2 c.1163A>G (p.Glu388Gly) results in a non-conservative amino acid change in the encoded protein sequence. Algorithms developed to predict the effect of missense changes on protein structure and function are either unavailable or do not agree on the potential impact of this missense change. The variant allele was found at a frequency of 2.2e-05 in 182907 control chromosomes. The available data on variant occurrences in the general population are insufficient to allow any conclusion about variant significance. To our knowledge, no occurrence of c.1163A>G in individuals affected with Rolandic Epilepsy With Mental Retardation And Speech Dyspraxia, X-Linked and no experimental evidence demonstrating its impact on protein function have been reported. ClinVar contains an entry for this variant (Variation ID: 3449482). Based on the evidence outlined above, the variant was classified as uncertain significance.

Ambry Genetics
Classification: Uncertain significance. Last evaluated: 2024-09-04. Review status: criteria provided, single submitter. Criteria: Ambry Variant Classification Scheme 2023. Collection method: clinical testing. Allele origin: germline.

NM_014467.3(SRPX2):c.1163A>G (p.Glu388Gly)

Gene: SRPX2 (sushi repeat containing protein X-linked 2; plus strand). Cytogenetic location: Xq22.1.
Variant type: single nucleotide variant.
Coding change: c.1163A>G on transcript NM_014467.3 (MANE Select); coding-DNA position 1163, A replaced by G.
Protein change: p.Glu388Gly; replaces glutamic acid 388 with glycine.
Molecular consequence: missense variant.
Genome position (GRCh38, 1-based): chrX:100,669,315, A>G. VCF-style: chrX-100669315-A-G. GRCh37 (hg19) VCF-style: chrX-99924312-A-G.
Other names: short protein forms E388G.
Identifiers: ClinVar variation 3449482 (VCV003449482.2).